The following is an entry in ClinVar:

NM_000883.4(IMPDH1):c.236A>C (p.Asp79Ala)

Gene: IMPDH1 (inosine monophosphate dehydrogenase 1; minus strand). Cytogenetic location: 7q32.1.
Variant type: single nucleotide variant.
Coding change: c.236A>C on transcript NM_000883.4 (MANE Select); coding-DNA position 236, A replaced by C.
Protein change: p.Asp79Ala; replaces aspartic acid 79 with alanine.
Molecular consequence: missense variant. On other transcripts: intron variant (2).
Genome position (GRCh38, 1-based): chr7:128,409,307, T>G on the plus strand (A>C on the coding strand, the complement: IMPDH1 is on the minus strand). VCF-style: chr7-128409307-T-G. GRCh37 (hg19) VCF-style: chr7-128049361-T-G.
Other names: c.206A>C, p.Asp69Ala (NM_001102605.2); c.236A>C, p.Asp79Ala (NM_001142576.2); c.146+449A>C (NM_001304521.2, NM_183243.3); short protein forms D69A, D79A.
Identifiers: ClinVar variation 1366357 (VCV001366357.8), dbSNP rs1323043813, ClinGen allele CA369180657.

ClinVar aggregate classification (germline): Uncertain significance (1 of 4 stars; one submission).

Allele frequency attached by ClinVar (database versions not stated): gnomAD exomes 0.00001 and below 0.00001.
gnomAD v4.1: 3 of 1,614,054 alleles (0.00019%); highest among the groups gnomAD compares: East Asian, 0.0067%; no homozygotes.

Submission:

Labcorp Genetics (formerly Invitae), Labcorp
Classification: Uncertain significance. Last evaluated: 2025-07-27. Review status: criteria provided, single submitter. Criteria: Invitae Variant Classification Sherloc (09022015). Collection method: clinical testing. Allele origin: germline.
Comment: This sequence change replaces aspartic acid, which is acidic and polar, with alanine, which is neutral and non-polar, at codon 79 of the IMPDH1 protein (p.Asp79Ala). This variant is present in population databases (no rsID available, gnomAD 0.01%). This variant has not been reported in the literature in individuals affected with IMPDH1-related conditions. ClinVar contains an entry for this variant (Variation ID: 1366357). An algorithm developed to predict the effect of missense changes on protein structure and function (PolyPhen-2) suggests that this variant is likely to be tolerated. In summary, the available evidence is currently insufficient to determine the role of this variant in disease. Therefore, it has been classified as a Variant of Uncertain Significance.